The following is an entry in ClinVar:

NM_001195305.3(BBIP1):c.150G>A (p.Leu50=)

Gene: BBIP1 (BBSome interacting protein 1; minus strand). Cytogenetic location: 10q25.2.
Variant type: single nucleotide variant.
Coding change: c.150G>A on transcript NM_001195305.3 (MANE Select); coding-DNA position 150, G replaced by A.
Protein change: p.Leu50=; no amino-acid change (leucine 50 retained).
Molecular consequence: synonymous variant. On other transcripts: missense variant (1).
Genome position (GRCh38, 1-based): chr10:110,900,489, C>T on the plus strand (G>A on the coding strand, the complement: BBIP1 is on the minus strand). VCF-style: chr10-110900489-C-T. GRCh37 (hg19) VCF-style: chr10-112660247-C-T.
Other names: c.307G>A (NM_001195304.1); c.307G>A, p.Val103Met (NM_001195304.2); c.150G>A, p.Leu50= (NM_001195306.2); c.75G>A, p.Leu25= (NM_001195307.2); c.84G>A, p.Leu28= (NM_001243783.3); short protein forms V103M.
Identifiers: ClinVar variation 1158943 (VCV001158943.12), dbSNP rs767511014, ClinGen allele CA5689316.

ClinVar aggregate classification (germline): Likely benign. Review status: criteria provided, multiple submitters, no conflicts (2 of 4 stars). 3 submissions from 3 submitters: Likely benign (2). 1 of the submissions does not count toward it. Last evaluated 2025-11-27.

Conditions:
BBIP1-related disorder. Also called: BBIP1-related condition.
Bardet-Biedl syndrome 18 (BBS18). Identifiers: Orphanet 110, MedGen C3806174, MONDO:0014446, OMIM 615995.

Allele frequency attached by ClinVar (database versions not stated): gnomAD 0.00001; gnomAD exomes 0.00002 and 0.00009; TOPMed 0.00002; ExAC 0.00007.
gnomAD v4.1: 28 of 1,535,494 alleles (0.0018%); highest among the groups gnomAD compares: South Asian, 0.018%; 1 homozygote.

Submissions (3):

Labcorp Genetics (formerly Invitae), Labcorp
Classification: Likely benign. Last evaluated: 2025-11-27. Review status: criteria provided, single submitter. Criteria: Invitae Variant Classification Sherloc (09022015). Collection method: clinical testing. Allele origin: germline.

Fulgent Genetics
Classification: Likely benign for Bardet-Biedl syndrome 18. Last evaluated: 2021-10-11. Review status: criteria provided, single submitter. Criteria: ACMG Guidelines, 2015. Collection method: clinical testing. Allele origin: unknown.

PreventionGenetics, part of Exact Sciences
Classification: Uncertain significance for BBIP1-related condition. Last evaluated: 2024-09-10. Review status: no assertion criteria provided. Collection method: clinical testing. Allele origin: germline. Not counted in ClinVar's aggregate classification.
Comment: The BBIP1 c.307G>A variant is predicted to result in the amino acid substitution p.Val103Met. To our knowledge, this variant has not been reported in the literature. In the primary transcript listed in the Human Gene Mutation Database (HGMD;, NM_001195306), this variant is synonymous (p.=) and not expected to impact splicing. This variant is reported in 0.027% of alleles in individuals of South Asian descent in gnomAD, including one homozygote. Although we suspect that c.307G>A may be benign, the clinical significance of this variant is currently classified as uncertain due to the absence of conclusive functional and genetic evidence.